The following is an entry in ClinVar:

ClinVar aggregate classification (germline): Pathogenic (1 of 4 stars; one submission).

Conditions:
Bardet-Biedl syndrome (BBS). Identifiers: Orphanet 110, MedGen C0752166, MONDO:0015229.

Submission:

Labcorp Genetics (formerly Invitae), Labcorp
Classification: Pathogenic for Bardet-Biedl syndrome. Last evaluated: 2021-09-16. Review status: criteria provided, single submitter. Criteria: Invitae Variant Classification Sherloc (09022015). Collection method: clinical testing. Allele origin: germline.
Comment: This variant is a gross deletion of the genomic region encompassing exon(s) 1 of the BBS4 gene, which includes the initiator codon. This deletion extends beyond the assayed region for this gene and therefore may encompass additional genes. It is expected to result in an absent or disrupted protein product. Loss-of-function variants in BBS4 are known to be pathogenic (PMID: 11381270, 12016587, 20177705, 27894351). This variant has not been reported in the literature in individuals affected with BBS4-related conditions. For these reasons, this variant has been classified as Pathogenic.

Literature cited by the submitters: PubMed 11381270; PubMed 12016587; PubMed 20177705; PubMed 27894351.

NC_000015.10:g.(?_72686218)_(72686261_?)del

Gene: BBS4 (Bardet-Biedl syndrome 4; plus strand). Cytogenetic location: 15q24.1.
Variant type: Deletion.
Identifiers: ClinVar variation 462943 (VCV000462943.6).